The following is an entry in ClinVar:

NM_004415.4(DSP):c.4951C>T (p.Gln1651Ter)

Gene: DSP (desmoplakin; plus strand). Cytogenetic location: 6p24.3.
Variant type: single nucleotide variant.
Coding change: c.4951C>T on transcript NM_004415.4 (MANE Select); coding-DNA position 4951, C replaced by T.
Protein change: p.Gln1651Ter; replaces glutamine 1651 with a stop codon.
Molecular consequence: nonsense. On other transcripts: intron variant (2).
Genome position (GRCh38, 1-based): chr6:7,581,141, C>T. VCF-style: chr6-7581141-C-T. GRCh37 (hg19) VCF-style: chr6-7581374-C-T.
Other names: c.4050+901C>T (NM_001319034.2); c.3582+1369C>T (NM_001008844.3); short protein forms Q1651*.
Identifiers: ClinVar variation 2953128 (VCV002953128.3), dbSNP rs2533931043, ClinGen allele CA362687518.

ClinVar aggregate classification (germline): Pathogenic (1 of 4 stars; one submission).

Conditions:
Arrhythmogenic cardiomyopathy with wooly hair and keratoderma. Also called: PALMOPLANTAR KERATODERMA WITH LEFT VENTRICULAR CARDIOMYOPATHY AND WOOLLY HAIR; Carvajal syndrome; Arrhythmogenic cardiomyopathy with woolly hair and keratoderma; Dilated cardiomyopathy with woolly hair and keratoderma. Identifiers: Orphanet 65282, MedGen C1854063, MONDO:0011581, OMIM 605676.
Arrhythmogenic right ventricular dysplasia 8 (ARVD8). Also called: Arrhythmogenic Right Ventricular Dysplasia/Cardiomyopathy 8; ARRHYTHMOGENIC RIGHT VENTRICULAR DYSPLASIA, FAMILIAL, 8; ARRHYTHMOGENIC RIGHT VENTRICULAR CARDIOMYOPATHY 8. Identifiers: MedGen C1843896, MONDO:0011831, OMIM 607450.

Allele frequency attached by ClinVar (database versions not stated): gnomAD exomes below 0.00001.
gnomAD v4.1: 1 of 1,614,130 alleles (0.000062%); highest among the groups gnomAD compares: Non-Finnish European, 0.000085%; no homozygotes.

Submission:

Labcorp Genetics (formerly Invitae), Labcorp
Classification: Pathogenic for Arrhythmogenic cardiomyopathy with wooly hair and keratoderma; Arrhythmogenic right ventricular dysplasia 8. Last evaluated: 2023-12-17. Review status: criteria provided, single submitter. Criteria: Invitae Variant Classification Sherloc (09022015). Collection method: clinical testing. Allele origin: germline.
Comment: This sequence change creates a premature translational stop signal (p.Gln1651*) in the DSP gene. It is expected to result in an absent or disrupted protein product. Loss-of-function variants in DSP are known to be pathogenic (PMID: 20716751, 24503780, 25227139). This variant is not present in population databases (gnomAD no frequency). This variant has not been reported in the literature in individuals affected with DSP-related conditions. For these reasons, this variant has been classified as Pathogenic.

Literature cited by the submitters: PubMed 20716751; PubMed 24503780; PubMed 25227139.